The following is an entry in ClinVar:

ClinVar aggregate classification (germline): Uncertain significance (1 of 4 stars; one submission).

gnomAD v4.1: 2 of 1,588,570 alleles (0.00013%); highest among the groups gnomAD compares: Non-Finnish European, 0.00017%; no homozygotes.

Submission:

Labcorp Genetics (formerly Invitae), Labcorp
Classification: Uncertain significance. Last evaluated: 2025-03-31. Review status: criteria provided, single submitter. Criteria: Invitae Variant Classification Sherloc (09022015). Collection method: clinical testing. Allele origin: germline.
Comment: This sequence change replaces glutamic acid, which is acidic and polar, with glycine, which is neutral and non-polar, at codon 134 of the NFE2L2 protein (p.Glu134Gly). This variant is not present in population databases (gnomAD no frequency). This variant has not been reported in the literature in individuals affected with NFE2L2-related conditions. An algorithm developed to predict the effect of missense changes on protein structure and function (PolyPhen-2) suggests that this variant is likely to be disruptive. Algorithms developed to predict the effect of sequence changes on RNA splicing suggest that this variant may disrupt the consensus splice site. In summary, the available evidence is currently insufficient to determine the role of this variant in disease. Therefore, it has been classified as a Variant of Uncertain Significance.

NM_006164.5(NFE2L2):c.401A>G (p.Glu134Gly)

Gene: NFE2L2 (NFE2 like bZIP transcription factor 2; minus strand). Cytogenetic location: 2q31.2.
Variant type: single nucleotide variant.
Coding change: c.401A>G on transcript NM_006164.5 (MANE Select); coding-DNA position 401, A replaced by G.
Protein change: p.Glu134Gly; replaces glutamic acid 134 with glycine.
Molecular consequence: missense variant. On other transcripts: intron variant (1).
Genome position (GRCh38, 1-based): chr2:177,233,251, T>C on the plus strand (A>G on the coding strand, the complement: NFE2L2 is on the minus strand). VCF-style: chr2-177233251-T-C. GRCh37 (hg19) VCF-style: chr2-178097979-T-C.
Other names: c.353A>G, p.Glu118Gly (NM_001145412.3, NM_001145413.3, NM_001313900.1 and 1 more transcripts); c.182A>G, p.Glu61Gly (NM_001313903.2); c.101A>G, p.Glu34Gly (NM_001313904.1); c.313-668A>G (NM_001313902.2); short protein forms E118G, E134G, E34G, E61G.
Identifiers: ClinVar variation 4698636 (VCV004698636.1).